The following is an entry in ClinVar:

NM_015202.5(KATNIP):c.2587A>G (p.Ser863Gly)

Gene: KATNIP (katanin interacting protein; plus strand). Cytogenetic location: 16p12.1.
Variant type: single nucleotide variant.
Coding change: c.2587A>G on transcript NM_015202.5 (MANE Select); coding-DNA position 2587, A replaced by G.
Protein change: p.Ser863Gly; replaces serine 863 with glycine.
Molecular consequence: missense variant.
Genome position (GRCh38, 1-based): chr16:27,740,884, A>G. VCF-style: chr16-27740884-A-G. GRCh37 (hg19) VCF-style: chr16-27752205-A-G.
Other names: short protein forms S863G.
Identifiers: ClinVar variation 1958640 (VCV001958640.5), dbSNP rs2081080487, ClinGen allele CA395322817.

ClinVar aggregate classification (germline): Uncertain significance (1 of 4 stars; one submission).

Allele frequency attached by ClinVar (database versions not stated): gnomAD exomes 0.00001.
gnomAD v4.1: 7 of 1,605,488 alleles (0.00044%); highest among the groups gnomAD compares: Middle Eastern, 0.017%; no homozygotes.

Submission:

Labcorp Genetics (formerly Invitae), Labcorp
Classification: Uncertain significance. Last evaluated: 2022-08-23. Review status: criteria provided, single submitter. Criteria: Invitae Variant Classification Sherloc (09022015). Collection method: clinical testing. Allele origin: germline.
Comment: In summary, the available evidence is currently insufficient to determine the role of this variant in disease. Therefore, it has been classified as a Variant of Uncertain Significance. Algorithms developed to predict the effect of missense changes on protein structure and function output the following: SIFT: "Tolerated"; PolyPhen-2: "Benign"; Align-GVGD: "Class C0". The glycine amino acid residue is found in multiple mammalian species, which suggests that this missense change does not adversely affect protein function. This variant has not been reported in the literature in individuals affected with KIAA0556-related conditions. This variant is not present in population databases (gnomAD no frequency). This sequence change replaces serine, which is neutral and polar, with glycine, which is neutral and non-polar, at codon 863 of the KIAA0556 protein (p.Ser863Gly).